The following is an entry in ClinVar:

ClinVar aggregate classification (germline): Pathogenic. Review status: criteria provided, multiple submitters, no conflicts (2 of 4 stars). 2 submissions from 2 submitters: Pathogenic (2). Last evaluated 2024-04-15.

Conditions:
Combined PSAP deficiency (PSAPD). Also called: COMBINED SAP DEFICIENCY; Encephalopathy due to prosaposin deficiency; PROSAPOSIN DEFICIENCY. Identifiers: Orphanet 139406, MedGen C2673635, MONDO:0012719, OMIM 611721.
Krabbe disease due to saposin A deficiency. Also called: KRABBE DISEASE, ATYPICAL, DUE TO SAPOSIN A DEFICIENCY; Saposin A Deficiency. Identifiers: Orphanet 487, MedGen C2673266, MONDO:0012720, OMIM 611722.
Sphingolipid activator protein 1 deficiency. Also called: Metachromatic leukodystrophy due to saposin B deficiency; Saposin B Deficiency; METACHROMATIC LEUKODYSTROPHY DUE TO CEREBROSIDE SULFATASE ACTIVATOR DEFICIENCY. Identifiers: Orphanet 512, MedGen C0268262, MONDO:0009590, OMIM 249900.
Parkinson disease 24, autosomal dominant, susceptibility to. Identifiers: MedGen C5561969, MONDO:0859183, OMIM 619491.
Gaucher disease due to saposin C deficiency. Also called: Saposin C Deficiency; Atypical Gaucher disease due to saposin C deficiency. Identifiers: Orphanet 309252, Orphanet 355, MedGen C1864651, MONDO:0012517, OMIM 610539.

Submissions (2):

Fulgent Genetics
Classification: Pathogenic for Sphingolipid activator protein 1 deficiency; Gaucher disease due to saposin C deficiency; Combined PSAP deficiency; Krabbe disease due to saposin A deficiency; Parkinson disease 24, autosomal dominant, susceptibility to. Last evaluated: 2024-04-15. Review status: criteria provided, single submitter. Criteria: ACMG Guidelines, 2015. Collection method: clinical testing. Allele origin: germline.

Labcorp Genetics (formerly Invitae), Labcorp
Classification: Pathogenic for Sphingolipid activator protein 1 deficiency. Last evaluated: 2024-01-28. Review status: criteria provided, single submitter. Criteria: Invitae Variant Classification Sherloc (09022015). Collection method: clinical testing. Allele origin: germline.
Comment: This sequence change creates a premature translational stop signal (p.Gln50*) in the PSAP gene. It is expected to result in an absent or disrupted protein product. Loss-of-function variants in PSAP are known to be pathogenic (PMID: 8554069, 11309366, 17616409, 19267410, 30632081). This variant is not present in population databases (gnomAD no frequency). This variant has not been reported in the literature in individuals affected with PSAP-related conditions. For these reasons, this variant has been classified as Pathogenic.

Literature cited by the submitters: PubMed 8554069 (cited by Labcorp Genetics (formerly Invitae), Labcorp); PubMed 11309366 (cited by Labcorp Genetics (formerly Invitae), Labcorp); PubMed 17616409 (cited by Labcorp Genetics (formerly Invitae), Labcorp); PubMed 19267410 (cited by Labcorp Genetics (formerly Invitae), Labcorp); PubMed 30632081 (cited by Labcorp Genetics (formerly Invitae), Labcorp).

NM_002778.4(PSAP):c.148C>T (p.Gln50Ter)

Gene: PSAP (prosaposin; minus strand). Cytogenetic location: 10q22.1.
Variant type: single nucleotide variant.
Coding change: c.148C>T on transcript NM_002778.4 (MANE Select); coding-DNA position 148, C replaced by T.
Protein change: p.Gln50Ter; replaces glutamine 50 with a stop codon.
Molecular consequence: nonsense.
Genome position (GRCh38, 1-based): chr10:71,834,398, G>A on the plus strand (C>T on the coding strand, the complement: PSAP is on the minus strand). VCF-style: chr10-71834398-G-A. GRCh37 (hg19) VCF-style: chr10-73594155-G-A.
Other names: c.148C>T, p.Gln50Ter (NM_001042465.3, NM_001042466.3); short protein forms Q50*.
Identifiers: ClinVar variation 2735420 (VCV002735420.4), dbSNP rs2494541533, ClinGen allele CA377155827.
Genomic context (GRCh38, chr10:71,834,398, plus strand): 5'-GCTGCGGCTGGGACTGGAGGGCAGCGGCACTCACCACTGTTGGCTTGTTCCAAACGGTCT[G>A]CAGGCAGTGCTTCACTGCCCCGCAGTCGGACGCCGTCTTCACATTCTGGCACCACACTGC-3'